The following is an entry in ClinVar:

NM_198597.3(SEC24C):c.771C>G (p.Gly257=)

Gene: SEC24C (SEC24 homolog C, COPII component; plus strand). Cytogenetic location: 10q22.2.
Variant type: single nucleotide variant.
Coding change: c.771C>G on transcript NM_198597.3 (MANE Select); coding-DNA position 771, C replaced by G.
Protein change: p.Gly257=; no amino-acid change (glycine 257 retained).
Molecular consequence: synonymous variant.
Genome position (GRCh38, 1-based): chr10:73,760,307, C>G. VCF-style: chr10-73760307-C-G. GRCh37 (hg19) VCF-style: chr10-75520065-C-G.
Other names: c.771C>G, p.Gly257= (NM_004922.4).
Identifiers: ClinVar variation 771741 (VCV000771741.11), dbSNP rs146798574, ClinGen allele CA5558198.

ClinVar aggregate classification (germline): Benign/Likely benign. Review status: criteria provided, multiple submitters, no conflicts (2 of 4 stars). 3 submissions from 3 submitters: Benign (2); Likely benign (1). Last evaluated 2026-04-01.

Allele frequency attached by ClinVar (database versions not stated): 1000 Genomes Project 0.00399; 1000 Genomes Project 30x 0.00422; TOPMed 0.00673; ESP Exome Variant Server 0.00707; gnomAD 0.00734.
gnomAD v4.1: 14,339 of 1,613,340 alleles (0.89%); highest among the groups gnomAD compares: Middle Eastern, 1.1%; 94 homozygotes.

Submissions (3):

CeGaT Center for Human Genetics Tuebingen
Classification: Likely benign. Last evaluated: 2026-04-01. Review status: criteria provided, single submitter. Criteria: CeGaT Center For Human Genetics Tuebingen Variant Classification Criteria Version 2. Collection method: clinical testing. Allele origin: germline. Affected: yes. Observed: 3 variant alleles.
Comment: SEC24C: BP4, BP7, BS2

Labcorp Genetics (formerly Invitae), Labcorp
Classification: Benign. Last evaluated: 2019-12-31. Review status: criteria provided, single submitter. Criteria: Invitae Variant Classification Sherloc (09022015). Collection method: clinical testing. Allele origin: germline.

Breakthrough Genomics
Classification: Benign. Review status: criteria provided, single submitter. Criteria: ACMG Guidelines, 2015. Collection method: not provided. Allele origin: germline. Inheritance: Unknown mechanism. Affected: yes.